The following is an entry in ClinVar:

NM_017617.5(NOTCH1):c.500C>T (p.Pro167Leu)

Gene: NOTCH1 (notch receptor 1; minus strand). Cytogenetic location: 9q34.3.
Variant type: single nucleotide variant.
Coding change: c.500C>T on transcript NM_017617.5 (MANE Select); coding-DNA position 500, C replaced by T.
Protein change: p.Pro167Leu; replaces proline 167 with leucine.
Molecular consequence: missense variant.
Genome position (GRCh38, 1-based): chr9:136,523,092, G>A on the plus strand (C>T on the coding strand, the complement: NOTCH1 is on the minus strand). VCF-style: chr9-136523092-G-A. GRCh37 (hg19) VCF-style: chr9-139417544-G-A.
Other names: c.500C>T (NM_017617.4); c.500C>T, p.Pro167Leu (LRG_1122t1); short protein forms P167L.
Identifiers: ClinVar variation 520056 (VCV000520056.22), dbSNP rs370951369, ClinGen allele CA5342140.

ClinVar aggregate classification (germline): Conflicting classifications of pathogenicity. Review status: criteria provided, conflicting classifications (1 of 4 stars). 8 submissions from 7 submitters: Uncertain significance (6); Likely benign (2). Last evaluated 2026-01-02.

Conditions:
Familial thoracic aortic aneurysm and aortic dissection (TAAD). Also called: Thoracic aortic aneurysms and dissections. Identifiers: Orphanet 91387, MedGen C4707243, MONDO:0019625.
Aortic valve disease 1 (AOVD1). Identifiers: MedGen C3887892, MONDO:0024523, OMIM 109730.
NOTCH1-related disorder. Also called: NOTCH1-related condition; NOTCH1-related disorders.
Adams-Oliver syndrome 5 (AOS5). Identifiers: Orphanet 974, MedGen C4014970, MONDO:0014459, OMIM 616028.

Allele frequency attached by ClinVar (database versions not stated): ExAC 0.00002; gnomAD 0.00003; gnomAD exomes 0.00003 and below 0.00001; TOPMed 0.00003; ESP Exome Variant Server 0.00008.
gnomAD v4.1: 46 of 1,598,550 alleles (0.0029%); highest among the groups gnomAD compares: Non-Finnish European, 0.0037%; no homozygotes.

Submissions (8):

Labcorp Genetics (formerly Invitae), Labcorp
Classification: Likely benign for Adams-Oliver syndrome 5. Last evaluated: 2026-01-02. Review status: criteria provided, single submitter. Criteria: Invitae Variant Classification Sherloc (09022015). Collection method: clinical testing. Allele origin: germline.

PreventionGenetics, part of Exact Sciences
Classification: Uncertain significance for NOTCH1-related condition. Last evaluated: 2025-11-19. Review status: criteria provided, single submitter. Criteria: ACMG Guidelines, 2015. Collection method: clinical testing. Allele origin: germline.
Comment: The NOTCH1 c.500C>T variant is predicted to result in the amino acid substitution p.Pro167Leu. To our knowledge, this variant has not been reported in the literature. This variant is reported in 0.0010% of alleles in individuals of European (Non-Finnish) descent in gnomAD. At this time, the clinical significance of this variant is uncertain due to the absence of conclusive functional and genetic evidence.

Ambry Genetics
Classification: Uncertain significance for Familial thoracic aortic aneurysm and aortic dissection. Last evaluated: 2025-09-17. Review status: criteria provided, single submitter. Criteria: Ambry Variant Classification Scheme 2023. Collection method: clinical testing. Allele origin: germline.
Comment: The p.P167L variant (also known as c.500C>T), located in coding exon 4 of the NOTCH1 gene, results from a C to T substitution at nucleotide position 500. The proline at codon 167 is replaced by leucine, an amino acid with similar properties. This amino acid position is not well conserved in available vertebrate species, and leucine is the reference amino acid in other vertebrate species. In addition, this alteration is predicted to be tolerated by in silico analysis. Since supporting evidence is limited at this time, the clinical significance of this alteration remains unclear.

GeneDx
Classification: Uncertain significance. Last evaluated: 2024-07-05. Review status: criteria provided, single submitter. Criteria: GeneDx Variant Classification Process June 2021. Collection method: clinical testing. Allele origin: germline. Affected: yes.
Comment: Has not been previously published as pathogenic or benign to our knowledge; Not observed at significant frequency in large population cohorts (gnomAD); In silico analysis supports that this missense variant has a deleterious effect on protein structure/function

Blueprint Genetics
Classification: Likely benign. Last evaluated: 2023-11-09. Review status: criteria provided, single submitter. Criteria: ACMG Guidelines, 2015. Collection method: clinical testing. Allele origin: germline.

Genome-Nilou Lab
Classification: Uncertain significance for Adams-Oliver syndrome 5. Last evaluated: 2022-03-15. Review status: criteria provided, single submitter. Criteria: ACMG Guidelines, 2015. Collection method: clinical testing. Allele origin: germline. Affected: no.

Genome-Nilou Lab
Classification: Uncertain significance for Aortic valve disease 1. Last evaluated: 2022-03-15. Review status: criteria provided, single submitter. Criteria: ACMG Guidelines, 2015. Collection method: clinical testing. Allele origin: germline. Affected: no.

CHEO Genetics Diagnostic Laboratory, Children's Hospital of Eastern Ontario
Classification: Uncertain significance for Familial thoracic aortic aneurysm and aortic dissection. Last evaluated: 2019-10-28. Review status: criteria provided, single submitter. Criteria: ACMG Guidelines, 2015. Collection method: clinical testing. Allele origin: germline.